The following is an entry in ClinVar:

NM_000059.4(BRCA2):c.3593A>G (p.Asn1198Ser)

Gene: BRCA2 (BRCA2 DNA repair associated; plus strand). Cytogenetic location: 13q13.1.
Variant type: single nucleotide variant.
Coding change: c.3593A>G on transcript NM_000059.4 (MANE Select); coding-DNA position 3593, A replaced by G.
Protein change: p.Asn1198Ser; replaces asparagine 1198 with serine.
Molecular consequence: missense variant.
Genome position (GRCh38, 1-based): chr13:32,337,948, A>G. VCF-style: chr13-32337948-A-G. GRCh37 (hg19) VCF-style: chr13-32912085-A-G.
Other names: short protein forms N1198S.
Identifiers: ClinVar variation 491248 (VCV000491248.9), dbSNP rs780927790, ClinGen allele CA6940706.

ClinVar aggregate classification (germline): Conflicting classifications of pathogenicity. Review status: criteria provided, conflicting classifications (1 of 4 stars). 4 submissions from 4 submitters: Uncertain significance (2); Likely benign (2). Last evaluated 2024-11-11.

Conditions:
Hereditary cancer-predisposing syndrome. Also called: Hereditary neoplastic syndrome; Tumor predisposition; Hereditary Cancer Syndrome; Neoplastic Syndromes, Hereditary. Identifiers: Orphanet 140162, MedGen C0027672, MeSH D009386, MONDO:0015356.
Hereditary breast ovarian cancer syndrome. Also called: Hereditary breast and/or ovarian cancer syndrome; BRCA1- and BRCA2-Associated Hereditary Breast and Ovarian Cancer; Breast and ovarian cancer; Hereditary breast and ovarian cancer; Hereditary breast and ovarian cancer syndrome; Hereditary breast and ovarian cancer syndrome (HBOC). Identifiers: Orphanet 145, MedGen C0677776, MeSH D061325, MONDO:0003582. Disease mechanism: loss of function.
BRCA2-related cancer predisposition. Identifiers: MedGen CN377758, MONDO:0700269.

Allele frequency attached by ClinVar (database versions not stated): ExAC 0.00001.

Submissions (4):

Department of Pathology and Laboratory Medicine, Sinai Health System
Classification: Likely benign for BRCA2-related cancer predisposition. Last evaluated: 2024-11-11. Review status: criteria provided, single submitter. Criteria: ACMG Guidelines, 2015. Collection method: clinical testing. Allele origin: germline.

Labcorp Genetics (formerly Invitae), Labcorp
Classification: Uncertain significance for Hereditary breast ovarian cancer syndrome. Last evaluated: 2024-06-18. Review status: criteria provided, single submitter. Criteria: Invitae Variant Classification Sherloc (09022015). Collection method: clinical testing. Allele origin: germline.
Comment: This sequence change replaces asparagine, which is neutral and polar, with serine, which is neutral and polar, at codon 1198 of the BRCA2 protein (p.Asn1198Ser). This variant is not present in population databases (gnomAD no frequency). This variant has not been reported in the literature in individuals affected with BRCA2-related conditions. ClinVar contains an entry for this variant (Variation ID: 491248). Advanced modeling of protein sequence and biophysical properties (such as structural, functional, and spatial information, amino acid conservation, physicochemical variation, residue mobility, and thermodynamic stability) performed at Invitae indicates that this missense variant is not expected to disrupt BRCA2 protein function with a negative predictive value of 95%. In summary, the available evidence is currently insufficient to determine the role of this variant in disease. Therefore, it has been classified as a Variant of Uncertain Significance.

University of Washington Department of Laboratory Medicine, University of Washington
Classification: Likely benign for Hereditary cancer-predisposing syndrome. Last evaluated: 2023-03-23. Review status: criteria provided, single submitter. Criteria: Dines et al. (Genet Med. 2020). Collection method: curation. Allele origin: germline.
Comment: Missense variant in a coldspot region where missense variants are very unlikely to be pathogenic (PMID:31911673).

BRCA2 exon 11 coldspot. Reclassification based on statistical prior probability.

Color Diagnostics, LLC DBA Color Health
Classification: Uncertain significance for Hereditary cancer-predisposing syndrome. Last evaluated: 2019-04-17. Review status: criteria provided, single submitter. Criteria: ACMG Guidelines, 2015. Collection method: clinical testing. Allele origin: germline.